The following is an entry in ClinVar:

ClinVar aggregate classification (germline): Uncertain significance. Review status: criteria provided, multiple submitters, no conflicts (2 of 4 stars). 3 submissions from 3 submitters: Uncertain significance (3). Last evaluated 2026-09-18.

Conditions:
LOX-related disorder. Also called: LOX-related disorders; LOX-related condition.
Cardiovascular phenotype. Identifiers: MedGen CN230736.

Allele frequency attached by ClinVar (database versions not stated): ExAC 0.00006; gnomAD 0.00006; gnomAD exomes 0.00016 and 0.00007; TOPMed 0.00005.
gnomAD v4.1: 239 of 1,567,332 alleles (0.015%); highest among the groups gnomAD compares: Middle Eastern, 0.051%; no homozygotes.

Submissions (3):

GeneDx
Classification: Uncertain significance. Last evaluated: 2026-09-18. Review status: criteria provided, single submitter. Criteria: GeneDx Variant Classification Process June 2021. Collection method: clinical testing. Allele origin: germline.
Comment: Published functional studies suggests this variant may not impact LOX protein function; however, additional studies are needed to validate the effect of this variant (PMID: 29961567); In silico analysis supports that this missense variant has a deleterious effect on protein structure/function; This variant is associated with the following publications: (PMID: 29961567)

Labcorp Genetics (formerly Invitae), Labcorp
Classification: Uncertain significance. Last evaluated: 2025-12-24. Review status: criteria provided, single submitter. Criteria: Invitae Variant Classification Sherloc (09022015). Collection method: clinical testing. Allele origin: germline.
Comment: This sequence change replaces serine, which is neutral and polar, with arginine, which is basic and polar, at codon 247 of the LOX protein (p.Ser247Arg). This variant is present in population databases (rs768419742, gnomAD 0.01%). This variant has not been reported in the literature in individuals affected with LOX-related conditions. ClinVar contains an entry for this variant (Variation ID: 684466). Invitae Evidence Modeling of protein sequence and biophysical properties (such as structural, functional, and spatial information, amino acid conservation, physicochemical variation, residue mobility, and thermodynamic stability) indicates that this missense variant is not expected to disrupt LOX protein function with a negative predictive value of 95%. Experimental studies have shown that this missense change affects LOX function (PMID: 29961567). In summary, the available evidence is currently insufficient to determine the role of this variant in disease. Therefore, it has been classified as a Variant of Uncertain Significance.

Ambry Genetics
Classification: Uncertain significance for Cardiovascular phenotype. Last evaluated: 2025-06-20. Review status: criteria provided, single submitter. Criteria: Ambry Variant Classification Scheme 2023. Collection method: clinical testing. Allele origin: germline.
Comment: The p.S247R variant (also known as c.741T>G) is located in coding exon 3 of the LOX gene. The serine at codon 247 is replaced by arginine, an amino acid with dissimilar properties. This change occurs in the first base pair of coding exon 3. This alteration has been reported in a sporadic aortic dissection cohort; however, clinical details were limited, and an in vitro study showed this alteration may impact protein function (Kwartler CS et al. Am J Hum Genet, 2018 Jul;103:138-143). This amino acid position is highly conserved in available vertebrate species. In addition, the in silico prediction for this alteration is inconclusive. Since supporting evidence is limited at this time, the clinical significance of this alteration remains unclear.

Literature cited by the submitters: PubMed 29961567 (cited by Labcorp Genetics (formerly Invitae), Labcorp and Ambry Genetics).

NM_002317.7(LOX):c.741T>G (p.Ser247Arg)

Genes: LOX (lysyl oxidase; minus strand), SRFBP1 (serum response factor binding protein 1; plus strand). Cytogenetic location: 5q23.1.
Variant type: single nucleotide variant.
Coding change: c.741T>G on transcript NM_002317.7 (MANE Select); coding-DNA position 741, T replaced by G.
Protein change: p.Ser247Arg; replaces serine 247 with arginine.
Molecular consequence: missense variant. On other transcripts: 5 prime UTR variant (1).
Genome position (GRCh38, 1-based): chr5:122,075,541, A>C on the plus strand (T>G on the coding strand, the complement: LOX is on the minus strand). VCF-style: chr5-122075541-A-C. GRCh37 (hg19) VCF-style: chr5-121411236-A-C.
Other names: c.51T>G, p.Ser17Arg (NM_001178102.2); c.-151T>G (NM_001317073.1); short protein forms S247R, S17R.
Identifiers: ClinVar variation 684466 (VCV000684466.23), dbSNP rs768419742, ClinGen allele CA3383940.
Genomic context (GRCh38, chr5:122,075,541, plus strand): 5'-TTGGGGAAATCTGAGCAGCACCCTGTGATCATAATCTCTGACATCTGCCCTGTATGCTGT[A>C]CTGTGATTTTGAAAAAAGAAAAATTATTATATTCATGGAATATTAACTAAAGACAAAACT-3'
Protein context (NP_002308.2, residues 237-257): RCAAEENCLA[Ser247Arg]TAYRADVRDY